The following is an entry in ClinVar:

NM_015295.3(SMCHD1):c.1918G>T (p.Glu640Ter)

Gene: SMCHD1 (structural maintenance of chromosomes flexible hinge domain containing 1; plus strand). Cytogenetic location: 18p11.32.
Variant type: single nucleotide variant.
Coding change: c.1918G>T on transcript NM_015295.3 (MANE Select); coding-DNA position 1918, G replaced by T.
Protein change: p.Glu640Ter; replaces glutamic acid 640 with a stop codon.
Molecular consequence: nonsense.
Genome position (GRCh38, 1-based): chr18:2,705,769, G>T. VCF-style: chr18-2705769-G-T. GRCh37 (hg19) VCF-style: chr18-2705767-G-T.
Other names: short protein forms E640*.
Identifiers: ClinVar variation 2632260 (VCV002632260.1), dbSNP rs1248130436, ClinGen allele CA401679641.

ClinVar aggregate classification (germline): Likely pathogenic (1 of 4 stars; one submission).

Conditions:
SMCHD1-related disorder. Also called: SMCHD1-related condition.

Submission:

PreventionGenetics, part of Exact Sciences
Classification: Likely pathogenic for SMCHD1-related condition. Last evaluated: 2023-06-05. Review status: criteria provided, single submitter. Criteria: ACMG Guidelines, 2015. Collection method: clinical testing. Allele origin: germline.
Comment: The SMCHD1 c.1918G>T variant is predicted to result in premature protein termination (p.Glu640*). To our knowledge, this variant has not been reported in the literature or in a large population database, indicating this variant is rare. Nonsense variants in SMCHD1 are expected to be pathogenic. This variant is interpreted as likely pathogenic.